The following is an entry in ClinVar:

ClinVar aggregate classification (germline): Likely pathogenic (1 of 4 stars; one submission).

Conditions:
Cardiovascular phenotype. Identifiers: MedGen CN230736.

Submission:

Ambry Genetics
Classification: Likely pathogenic for Cardiovascular phenotype. Last evaluated: 2024-05-29. Review status: criteria provided, single submitter. Criteria: Ambry Variant Classification Scheme 2023. Collection method: clinical testing. Allele origin: germline.
Comment: The p.E5090* variant (also known as c.15268G>T), located in coding exon 58 of the TTN gene, results from a G to T substitution at nucleotide position 15268. This changes the amino acid from a glutamic acid to a stop codon within coding exon 58. This exon is located in the I-band region of the N2-B isoform of the titin protein and is constitutively expressed in TTN transcripts (percent spliced in or PSI 100%). This alteration is expected to result in loss of function by premature protein truncation or nonsense-mediated mRNA decay. While truncating variants in TTN are present in 1-3% of the general population, truncating variants in the A-band are the most common cause of dilated cardiomyopathy (DCM) (Herman DS et al. N. Engl. J. Med., 2012 Feb;366:619-28; Roberts AM et al. Sci Transl Med, 2015 Jan;7:270ra6). TTN truncating variants encoded in constitutive exons (PSI >90%) have been found to be significantly associated with DCM regardless of their position in titin (Schafer S et al. Nat. Genet., 2017 01;49:46-53). This variant is considered to be rare based on population cohorts in the Genome Aggregation Database (gnomAD). Based on the majority of available evidence to date, this variant is likely to be pathogenic.

NM_001267550.2(TTN):c.42463G>T (p.Glu14155Ter)

Gene: TTN (titin; minus strand). Cytogenetic location: 2q31.2.
Variant type: single nucleotide variant.
Coding change: c.42463G>T on transcript NM_001267550.2 (MANE Select); coding-DNA position 42463, G replaced by T.
Protein change: p.Glu14155Ter; replaces glutamic acid 14155 with a stop codon.
Molecular consequence: nonsense.
Genome position (GRCh38, 1-based): chr2:178,634,036, C>A on the plus strand (G>T on the coding strand, the complement: TTN is on the minus strand). VCF-style: chr2-178634036-C-A. GRCh37 (hg19) VCF-style: chr2-179498763-C-A.
Other names: c.37540G>T, p.Glu12514Ter (NM_001256850.1); c.15268G>T, p.Glu5090Ter (NM_003319.4); c.34759G>T, p.Glu11587Ter (NM_133378.4); c.15643G>T, p.Glu5215Ter (NM_133432.3); c.15844G>T, p.Glu5282Ter (NM_133437.4); short protein forms E14155*, E5215*, E11587*, E12514*, E5090*, E5282*.
Identifiers: ClinVar variation 3330092 (VCV003330092.1).
Genomic context (GRCh38, chr2:178,634,036, plus strand): 5'-ACCAGACTACATGCATTTTTTCATGAGAAAGTTCACAAACAAAAGTTGCTGTTTCACCTT[C>A]TTTTACTGTTTGATCTTCAAGAGGTGACATGAATTTCAGTCTTATACCTGAAATGCAAGC-3'